The following is an entry in ClinVar:

ClinVar aggregate classification (germline): Uncertain significance. Review status: criteria provided, multiple submitters, no conflicts (2 of 4 stars). 2 submissions from 2 submitters: Uncertain significance (2). Last evaluated 2023-09-19.

Allele frequency attached by ClinVar (database versions not stated): gnomAD exomes below 0.00001; ExAC 0.00001; gnomAD 0.00002; TOPMed 0.00003.
gnomAD v4.1: 3 of 1,614,088 alleles (0.00019%); highest among the groups gnomAD compares: African/African-American, 0.004%; no homozygotes.

Submissions (2):

Mayo Clinic Laboratories, Mayo Clinic
Classification: Uncertain significance. Last evaluated: 2023-09-19. Review status: criteria provided, single submitter. Criteria: ACMG Guidelines, 2015. Collection method: clinical testing. Allele origin: germline. Observed: 1 variant allele.
Comment: BP4_strong, PM2

Labcorp Genetics (formerly Invitae), Labcorp
Classification: Uncertain significance. Last evaluated: 2021-04-03. Review status: criteria provided, single submitter. Criteria: Invitae Variant Classification Sherloc (09022015). Collection method: clinical testing. Allele origin: germline.
Comment: In summary, the available evidence is currently insufficient to determine the role of this variant in disease. Therefore, it has been classified as a Variant of Uncertain Significance. Algorithms developed to predict the effect of missense changes on protein structure and function output the following: SIFT: "Tolerated"; PolyPhen-2: "Benign"; Align-GVGD: "Class C0". The arginine amino acid residue is found in multiple mammalian species, suggesting that this missense change does not adversely affect protein function. These predictions have not been confirmed by published functional studies and their clinical significance is uncertain. This variant has not been reported in the literature in individuals with C3-related conditions. This variant is present in population databases (rs766935351, ExAC 0.01%). This sequence change replaces histidine with arginine at codon 1601 of the C3 protein (p.His1601Arg). The histidine residue is moderately conserved and there is a small physicochemical difference between histidine and arginine.

NM_000064.4(C3):c.4802A>G (p.His1601Arg)

Gene: C3 (complement C3; minus strand). Cytogenetic location: 19p13.3.
Variant type: single nucleotide variant.
Coding change: c.4802A>G on transcript NM_000064.4 (MANE Select); coding-DNA position 4802, A replaced by G.
Protein change: p.His1601Arg; replaces histidine 1601 with arginine.
Molecular consequence: missense variant.
Genome position (GRCh38, 1-based): chr19:6,678,200, T>C on the plus strand (A>G on the coding strand, the complement: C3 is on the minus strand). VCF-style: chr19-6678200-T-C. GRCh37 (hg19) VCF-style: chr19-6678211-T-C.
Other names: p.His1601Arg; short protein forms H1601R.
Identifiers: ClinVar variation 1507050 (VCV001507050.9), dbSNP rs766935351, ClinGen allele CA9128253.